The following is an entry in ClinVar:

NM_000059.4(BRCA2):c.8487+2T>C

Gene: BRCA2 (BRCA2 DNA repair associated; plus strand). Cytogenetic location: 13q13.1.
Variant type: single nucleotide variant.
Coding change: c.8487+2T>C on transcript NM_000059.4 (MANE Select); the canonical splice donor site of the intron after coding-DNA position 8487, T replaced by C.
Molecular consequence: splice donor variant.
Genome position (GRCh38, 1-based): chr13:32,370,559, T>C. VCF-style: chr13-32370559-T-C. GRCh37 (hg19) VCF-style: chr13-32944696-T-C.
Other names: c.8487+2T>C (NM_001406720.1); c.8391+2T>C (NM_001406719.1); c.3555+2T>C (NM_001406721.1); c.2070+2T>C (NM_001406722.1).
Identifiers: ClinVar variation 267697 (VCV000267697.11), dbSNP rs886040944, ClinGen allele CA10602548.
Genomic context (GRCh38, chr13:32,370,559, plus strand): 5'-GTGATGGAGGAAATGTTGGTTGTGTTGATGTAATTATTCAAAGAGCATACCCTATACAGG[T>C]ATGATGTATTCTTGAAACTTACCATATATTTCTTTCTTTTGATACAATTAATTTGTTTGT-3'

ClinVar aggregate classification (germline): Pathogenic. Review status: criteria provided, multiple submitters, no conflicts (2 of 4 stars). 3 submissions from 3 submitters: Pathogenic (3). Last evaluated 2025-03-25.

Conditions:
Breast-ovarian cancer, familial, susceptibility to, 2 (BROVCA2). Also called: BRCA2 Hereditary Breast and Ovarian Cancer. Identifiers: Orphanet 145, MedGen C2675520, MONDO:0012933, OMIM 612555. Disease mechanism: loss of function.
Hereditary breast ovarian cancer syndrome. Also called: BRCA1- and BRCA2-Associated Hereditary Breast and Ovarian Cancer; Hereditary breast and ovarian cancer; Breast and ovarian cancer; Hereditary breast and/or ovarian cancer syndrome; Hereditary breast and ovarian cancer syndrome; Hereditary breast and ovarian cancer syndrome (HBOC). Identifiers: Orphanet 145, MedGen C0677776, MeSH D061325, MONDO:0003582. Disease mechanism: loss of function.

Allele frequency attached by ClinVar (database versions not stated): gnomAD exomes below 0.00001.
gnomAD v4.1: 1 of 1,609,606 alleles (0.000062%); highest among the groups gnomAD compares: Non-Finnish European, 0.000085%; no homozygotes.

Submissions (3):

GeneDx
Classification: Pathogenic. Last evaluated: 2025-03-25. Review status: criteria provided, single submitter. Criteria: GeneDx Variant Classification Process June 2021. Collection method: clinical testing. Allele origin: germline. Affected: yes.
Comment: Canonical splice site variant predicted to result in a null allele in a gene for which loss of function is a known mechanism of disease; Observed in patients with breast cancer (PMID: 30287823); Not observed at significant frequency in large population cohorts (gnomAD); Also known as 8715+2T>C; This variant is associated with the following publications: (PMID: 12228710, 30287823)

Labcorp Genetics (formerly Invitae), Labcorp
Classification: Pathogenic for Hereditary breast ovarian cancer syndrome. Last evaluated: 2022-08-12. Review status: criteria provided, single submitter. Criteria: Invitae Variant Classification Sherloc (09022015). Collection method: clinical testing. Allele origin: germline.
Comment: This sequence change affects a donor splice site in intron 19 of the BRCA2 gene. RNA analysis indicates that disruption of this splice site induces altered splicing and likely results in a shortened protein product. This variant is not present in population databases (gnomAD no frequency). Disruption of this splice site has been observed in individual(s) with breast cancer (PMID: 30287823). ClinVar contains an entry for this variant (Variation ID: 267697). Studies have shown that disruption of this splice site results in skipping of exon 19, but is expected to preserve the integrity of the reading-frame (PMID: 12606139, 16619214, 22632462). This variant disrupts a region of the BRCA2 protein in which other variant(s) (p.Gly2793Arg) have been determined to be pathogenic (PMID: 12442275, 15889636, 16030099, 23108138, 23233716, 25085752, 25777348). This suggests that this is a clinically significant region of the protein, and that variants that disrupt it are likely to be disease-causing. For these reasons, this variant has been classified as Pathogenic.

Consortium of Investigators of Modifiers of BRCA1/2 (CIMBA), c/o University of Cambridge
Classification: Pathogenic for Breast-ovarian cancer, familial, susceptibility to, 2. Last evaluated: 2015-10-02. Review status: criteria provided, single submitter. Criteria: CIMBA Mutation Classification guidelines May 2016. Collection method: clinical testing. Allele origin: germline.

Literature cited by the submitters: PubMed 30287823 (cited by Labcorp Genetics (formerly Invitae), Labcorp); PubMed 12606139 (cited by Labcorp Genetics (formerly Invitae), Labcorp); PubMed 16619214 (cited by Labcorp Genetics (formerly Invitae), Labcorp); PubMed 22632462 (cited by Labcorp Genetics (formerly Invitae), Labcorp); PubMed 12442275 (cited by Labcorp Genetics (formerly Invitae), Labcorp); PubMed 15889636 (cited by Labcorp Genetics (formerly Invitae), Labcorp); PubMed 16030099 (cited by Labcorp Genetics (formerly Invitae), Labcorp); PubMed 23108138 (cited by Labcorp Genetics (formerly Invitae), Labcorp); PubMed 23233716 (cited by Labcorp Genetics (formerly Invitae), Labcorp); PubMed 25085752 (cited by Labcorp Genetics (formerly Invitae), Labcorp); PubMed 25777348 (cited by Labcorp Genetics (formerly Invitae), Labcorp).